The following is an entry in ClinVar:

ClinVar aggregate classification (germline): Uncertain significance (1 of 4 stars; one submission).

Submission:

Mayo Clinic Laboratories, Mayo Clinic
Classification: Uncertain significance. Last evaluated: 2023-10-03. Review status: criteria provided, single submitter. Criteria: ACMG Guidelines, 2015. Collection method: clinical testing. Allele origin: germline. Observed: 3 variant alleles.
Comment: PM2_moderate

NM_003126.4(SPTA1):c.1134_1139del (p.Phe379_Asp380del)

Gene: SPTA1 (spectrin alpha, erythrocytic 1; minus strand). Cytogenetic location: 1q23.1.
Variant type: Deletion.
Coding change: c.1134_1139del on transcript NM_003126.4 (MANE Select); coding-DNA positions 1134 to 1139, 6 bases deleted (CTTTGA; older notation c.1134_1139delCTTTGA).
Protein change: p.Phe379_Asp380del.
Genome position (GRCh38, 1-based): chr1:158,674,649-158,674,654, TCAAAG deleted on the plus strand (CTTTGA on the coding strand, the reverse complement: SPTA1 is on the minus strand); deleting any 6 consecutive bases within chr1:158,674,649-158,674,657 gives the same sequence; the c. name uses the placement nearest the transcript's 3' end. VCF-style (leftmost placement, unchanged base first): chr1-158674648-ATCAAAG-A. GRCh37 (hg19) VCF-style: chr1-158644438-ATCAAAG-A.
Other names: p.Phe379_Asp380del.
Identifiers: ClinVar variation 3380065 (VCV003380065.1).